The following is an entry in ClinVar:

ClinVar aggregate classification (germline): Uncertain significance. Review status: criteria provided, multiple submitters, no conflicts (2 of 4 stars). 3 submissions from 3 submitters: Uncertain significance (3). Last evaluated 2025-08-14.

Conditions:
Hereditary nonpolyposis colorectal neoplasms. Identifiers: MedGen C0009405, MeSH D003123.
Hereditary cancer-predisposing syndrome. Also called: Neoplastic Syndromes, Hereditary; Tumor predisposition; Hereditary Cancer Syndrome; Hereditary neoplastic syndrome. Identifiers: Orphanet 140162, MedGen C0027672, MeSH D009386, MONDO:0015356.

Submissions (3):

Ambry Genetics
Classification: Uncertain significance for Hereditary cancer-predisposing syndrome. Last evaluated: 2025-08-14. Review status: criteria provided, single submitter. Criteria: Ambry Variant Classification Scheme 2023. Collection method: clinical testing. Allele origin: germline.
Comment: The p.V380A variant (also known as c.1139T>C), located in coding exon 10 of the PMS2 gene, results from a T to C substitution at nucleotide position 1139. The valine at codon 380 is replaced by alanine, an amino acid with similar properties. This amino acid position is conserved. In addition, this alteration is predicted to be tolerated by in silico analysis. Based on the available evidence, the clinical significance of this variant remains unclear.

Color Diagnostics, LLC DBA Color Health
Classification: Uncertain significance for Hereditary cancer-predisposing syndrome. Last evaluated: 2024-03-06. Review status: criteria provided, single submitter. Criteria: ACMG Guidelines, 2015. Collection method: clinical testing. Allele origin: germline.
Comment: This missense variant replaces valine with alanine at codon 380 of the PMS2 protein. Computational prediction suggests that this variant may not impact protein structure and function (internally defined REVEL score threshold <= 0.5, PMID: 27666373). To our knowledge, functional studies have not been reported for this variant. This variant has not been reported in individuals affected with hereditary cancer in the literature. This variant has not been identified in the general population by the Genome Aggregation Database (gnomAD). The available evidence is insufficient to determine the role of this variant in disease conclusively. Therefore, this variant is classified as a Variant of Uncertain Significance.

Labcorp Genetics (formerly Invitae), Labcorp
Classification: Uncertain significance for Hereditary nonpolyposis colorectal neoplasms. Last evaluated: 2023-08-27. Review status: criteria provided, single submitter. Criteria: Invitae Variant Classification Sherloc (09022015). Collection method: clinical testing. Allele origin: germline.
Comment: In summary, the available evidence is currently insufficient to determine the role of this variant in disease. Therefore, it has been classified as a Variant of Uncertain Significance. Advanced modeling of protein sequence and biophysical properties (such as structural, functional, and spatial information, amino acid conservation, physicochemical variation, residue mobility, and thermodynamic stability) performed at Invitae indicates that this missense variant is not expected to disrupt PMS2 protein function. ClinVar contains an entry for this variant (Variation ID: 926365). This variant has not been reported in the literature in individuals affected with PMS2-related conditions. This variant is not present in population databases (gnomAD no frequency). This sequence change replaces valine, which is neutral and non-polar, with alanine, which is neutral and non-polar, at codon 380 of the PMS2 protein (p.Val380Ala).

NM_000535.7(PMS2):c.1139T>C (p.Val380Ala)

Gene: PMS2 (PMS1 homolog 2, mismatch repair system component; minus strand). Cytogenetic location: 7p22.1.
Variant type: single nucleotide variant.
Coding change: c.1139T>C on transcript NM_000535.7 (MANE Select); coding-DNA position 1139, T replaced by C.
Protein change: p.Val380Ala; replaces valine 380 with alanine.
Molecular consequence: missense variant. On other transcripts: non-coding transcript variant (1), intron variant (2).
Genome position (GRCh38, 1-based): chr7:5,989,805, A>G on the plus strand (T>C on the coding strand, the complement: PMS2 is on the minus strand). VCF-style: chr7-5989805-A-G. GRCh37 (hg19) VCF-style: chr7-6029436-A-G.
Other names: c.1139T>C (NM_000535.5); c.734T>C, p.Val245Ala (NM_001322003.2, NM_001322004.2, NM_001322005.2 and 1 more transcripts); c.821T>C, p.Val274Ala (NM_001322007.2, NM_001322008.2); c.206T>C, p.Val69Ala (NM_001322011.2, NM_001322012.2); c.566T>C, p.Val189Ala (NM_001322013.2); c.1139T>C, p.Val380Ala (NM_001322014.2); c.830T>C, p.Val277Ala (NM_001322015.2); c.583+2168T>C (NM_001322010.2); and 1 more; short protein forms V245A, V277A, V69A, V274A, V380A, V189A.
Identifiers: ClinVar variation 926365 (VCV000926365.8), dbSNP rs748971523, ClinGen allele CA366742727.